The following is an entry in ClinVar:

ClinVar aggregate classification (germline): Likely benign (1 of 4 stars; one submission).

Allele frequency attached by ClinVar (database versions not stated): gnomAD 0.00001; TOPMed 0.00001; gnomAD exomes 0.00003 and 0.00007; ExAC 0.00009; 1000 Genomes Project 30x 0.00016; 1000 Genomes Project 0.00020.
gnomAD v4.1: 47 of 1,590,318 alleles (0.003%); highest among the groups gnomAD compares: South Asian, 0.042%; 1 homozygote.

Submission:

GeneDx
Classification: Likely benign. Last evaluated: 2017-03-16. Review status: criteria provided, single submitter. Criteria: GeneDx Variant Classification (06012015). Collection method: clinical testing. Allele origin: germline. Affected: yes.
Comment: This variant is considered likely benign or benign based on one or more of the following criteria: it is a conservative change, it occurs at a poorly conserved position in the protein, it is predicted to be benign by multiple in silico algorithms, and/or has population frequency not consistent with disease.

NM_006415.4(SPTLC1):c.354+12A>G

Gene: SPTLC1 (serine palmitoyltransferase long chain base subunit 1; minus strand). Cytogenetic location: 9q22.31.
Variant type: single nucleotide variant.
Coding change: c.354+12A>G on transcript NM_006415.4 (MANE Select); 12 bases into the intron after coding-DNA position 354, A replaced by G.
Molecular consequence: intron variant.
Genome position (GRCh38, 1-based): chr9:92,080,858, T>C on the plus strand (A>G on the coding strand, the complement: SPTLC1 is on the minus strand). VCF-style: chr9-92080858-T-C. GRCh37 (hg19) VCF-style: chr9-94843140-T-C.
Other names: c.354+12A>G (LRG_272t1, NM_001281303.2, NM_178324.3); c.-146+12A>G (NM_001368272.1); c.-112+12A>G (NM_001368273.1).
Identifiers: ClinVar variation 517810 (VCV000517810.1), dbSNP rs563679329, ClinGen allele CA5121600.